The following is an entry in ClinVar:

NC_000016.9:g.(?_89828347)_(89839802_?)del

Gene: FANCA (FA complementation group A; minus strand). Cytogenetic location: 16q24.3.
Variant type: Deletion.
Identifiers: ClinVar variation 1071364 (VCV001071364.7).

ClinVar aggregate classification (germline): Pathogenic (1 of 4 stars; one submission).

Conditions:
Fanconi anemia (FA). Also called: Fanconi's anemia. Identifiers: Orphanet 84, MedGen C0015625, MeSH D005199, MONDO:0019391.

Submission:

Labcorp Genetics (formerly Invitae), Labcorp
Classification: Pathogenic for Fanconi anemia. Last evaluated: 2022-05-05. Review status: criteria provided, single submitter. Criteria: Invitae Variant Classification Sherloc (09022015). Collection method: clinical testing. Allele origin: germline.
Comment: This variant is a gross deletion of the genomic region encompassing exon(s) 22-29 of the FANCA gene. This deletion is out-of-frame, and is expected to create a premature termination codon and result in an absent or disrupted protein product. Loss-of-function variants in FANCA are known to be pathogenic (PMID: 19367192). A similar copy number variant has been observed in individual(s) with clinical features of Fanconi anemia (PMID: 22778927). For these reasons, this variant has been classified as Pathogenic.

Literature cited by the submitters: PubMed 19367192; PubMed 22778927.